The following is an entry in ClinVar:

ClinVar aggregate classification (germline): Uncertain significance (1 of 4 stars; one submission).

Conditions:
Hyper-IgE recurrent infection syndrome 3, autosomal recessive. Also called: Autosomal recessive hyper-IgE syndrome due to ZNF341 deficiency; HYPER-IgE SYNDROME 3, AUTOSOMAL RECESSIVE, WITH RECURRENT INFECTIONS. Identifiers: Orphanet 641368, MedGen C4748969, MONDO:0032654, OMIM 618282.

Allele frequency attached by ClinVar (database versions not stated): ExAC 0.00001; gnomAD exomes 0.00001; TOPMed 0.00001.
gnomAD v4.1: 14 of 1,614,118 alleles (0.00087%); highest among the groups gnomAD compares: African/African-American, 0.0027%; no homozygotes.

Submission:

Labcorp Genetics (formerly Invitae), Labcorp
Classification: Uncertain significance for Combined immunodeficiency due to DOCK8 deficiency. Last evaluated: 2023-07-26. Review status: criteria provided, single submitter. Criteria: Invitae Variant Classification Sherloc (09022015). Collection method: clinical testing. Allele origin: germline.
Comment: This variant has not been reported in the literature in individuals affected with DOCK8-related conditions. This variant is present in population databases (rs775382639, gnomAD 0.003%). This sequence change replaces arginine, which is basic and polar, with histidine, which is basic and polar, at codon 1486 of the DOCK8 protein (p.Arg1486His). ClinVar contains an entry for this variant (Variation ID: 936894). In summary, the available evidence is currently insufficient to determine the role of this variant in disease. Therefore, it has been classified as a Variant of Uncertain Significance. Advanced modeling of protein sequence and biophysical properties (such as structural, functional, and spatial information, amino acid conservation, physicochemical variation, residue mobility, and thermodynamic stability) performed at Invitae indicates that this missense variant is expected to disrupt DOCK8 protein function.

NM_203447.4(DOCK8):c.4457G>A (p.Arg1486His)

Gene: DOCK8 (dedicator of cytokinesis 8; plus strand). Cytogenetic location: 9p24.3.
Variant type: single nucleotide variant.
Coding change: c.4457G>A on transcript NM_203447.4 (MANE Select); coding-DNA position 4457, G replaced by A.
Protein change: p.Arg1486His; replaces arginine 1486 with histidine.
Molecular consequence: missense variant.
Genome position (GRCh38, 1-based): chr9:428,480, G>A. VCF-style: chr9-428480-G-A. GRCh37 (hg19) VCF-style: chr9-428480-G-A.
Other names: c.4157G>A, p.Arg1386His (NM_001190458.2); c.4253G>A, p.Arg1418His (NM_001193536.2); short protein forms R1418H, R1386H, R1486H.
Identifiers: ClinVar variation 936894 (VCV000936894.8), dbSNP rs775382639, ClinGen allele CA4959080.